The following is an entry in ClinVar:

ClinVar aggregate classification (germline): Benign (0 of 4 stars; one submission).
ClinVar aggregate classification (oncogenicity): Likely benign (1 of 4 stars; one submission).

Conditions:
TCF7L2-related disorder. Also called: TCF7L2-related condition.
Neoplasm. Also called: tumor; Neoplasms; Neoplasm (disease). Identifiers: MedGen C0027651, MeSH D009369, MONDO:0005070, HP:0002664.

Submissions (2):

Center for Genomic Medicine, Rigshospitalet, Copenhagen University Hospital
Classification: Likely benign for Neoplasm. Last evaluated: 2025-03-04. Review status: criteria provided, single submitter. Criteria: ClinGen/CGC/VICC Guidelines for Oncogenicity, 2022. Collection method: clinical testing. Allele origin: somatic. Affected: yes.

PreventionGenetics, part of Exact Sciences
Classification: Benign for TCF7L2-related condition. Last evaluated: 2024-05-31. Review status: no assertion criteria provided. Collection method: clinical testing. Allele origin: germline.
Comment: This variant is classified as benign based on ACMG/AMP sequence variant interpretation guidelines (Richards et al. 2015 PMID: 25741868, with internal and published modifications).

NM_001367943.1(TCF7L2):c.1dup (p.Met1fs)

Gene: TCF7L2 (transcription factor 7 like 2; plus strand). Cytogenetic location: 10q25.2.
Variant type: Duplication.
Coding change: c.1dup on transcript NM_001367943.1 (MANE Select); coding-DNA position 1, one base duplicated (A; older notation c.1dupA).
Protein change: p.Met1fs; shifts the reading frame from methionine 1.
Molecular consequence: frameshift variant, initiator codon variant.
Genome position (GRCh38, 1-based): chr10:112,950,757, A duplicated; the last of 9 consecutive A bases (chr10:112,950,749-112,950,757); duplicating any one gives the same sequence. VCF-style (leftmost placement, unchanged base first): chr10-112950748-G-GA. GRCh37 (hg19) VCF-style: chr10-114710507-G-GA.
Other names: c.1dup, p.Met1fs (NM_001146274.2, NM_001146283.2, NM_001146284.2 and 11 more transcripts); c.1dupA (NM_030756.5, NM_030756.4); short protein forms M1fs.
Identifiers: ClinVar variation 3257944 (VCV003257944.3).